The following is an entry in ClinVar:

ClinVar aggregate classification (germline): Uncertain significance (1 of 4 stars; one submission).

Conditions:
Inborn genetic diseases. Identifiers: MedGen C0950123, MeSH D030342.

Submission:

Ambry Genetics
Classification: Uncertain significance for Inborn genetic diseases. Last evaluated: 2022-03-19. Review status: criteria provided, single submitter. Criteria: Ambry Variant Classification Scheme 2023. Collection method: clinical testing. Allele origin: germline.
Comment: The p.E413K variant (also known as c.1237G>A), located in coding exon 11 of the LRRK2 gene, results from a G to A substitution at nucleotide position 1237. The glutamic acid at codon 413 is replaced by lysine, an amino acid with similar properties. This amino acid position is conserved. In addition, this alteration is predicted to be tolerated by in silico analysis. Since supporting evidence is limited at this time, the clinical significance of this alteration remains unclear.

NM_198578.4(LRRK2):c.1237G>A (p.Glu413Lys)

Gene: LRRK2 (leucine rich repeat kinase 2; plus strand). Cytogenetic location: 12q12.
Variant type: single nucleotide variant.
Coding change: c.1237G>A on transcript NM_198578.4 (MANE Select); coding-DNA position 1237, G replaced by A.
Protein change: p.Glu413Lys; replaces glutamic acid 413 with lysine.
Molecular consequence: missense variant.
Genome position (GRCh38, 1-based): chr12:40,252,965, G>A. VCF-style: chr12-40252965-G-A. GRCh37 (hg19) VCF-style: chr12-40646767-G-A.
Other names: short protein forms E413K.
Identifiers: ClinVar variation 1757223 (VCV001757223.2), dbSNP rs2499514905, ClinGen allele CA384409419.